The following is an entry in ClinVar:

ClinVar aggregate classification (germline): Uncertain significance (1 of 4 stars; one submission).

Conditions:
Intellectual disability, CASK-related, X-linked. Identifiers: MedGen CN043158.

gnomAD v4.1: 1 of 1,204,327 alleles (0.000083%); highest among the groups gnomAD compares: South Asian, 0.0018%; no homozygotes.

Submission:

Labcorp Genetics (formerly Invitae), Labcorp
Classification: Uncertain significance for Intellectual disability, CASK-related, X-linked. Last evaluated: 2024-05-16. Review status: criteria provided, single submitter. Criteria: Invitae Variant Classification Sherloc (09022015). Collection method: clinical testing. Allele origin: germline.
Comment: This sequence change replaces glycine, which is neutral and non-polar, with aspartic acid, which is acidic and polar, at codon 744 of the CASK protein (p.Gly744Asp). This variant is not present in population databases (gnomAD no frequency). This variant has not been reported in the literature in individuals affected with CASK-related conditions. Advanced modeling of protein sequence and biophysical properties (such as structural, functional, and spatial information, amino acid conservation, physicochemical variation, residue mobility, and thermodynamic stability) has been performed at Invitae for this missense variant, however the output from this modeling did not meet the statistical confidence thresholds required to predict the impact of this variant on CASK protein function. In summary, the available evidence is currently insufficient to determine the role of this variant in disease. Therefore, it has been classified as a Variant of Uncertain Significance.

NM_001367721.1(CASK):c.2246G>A (p.Gly749Asp)

Gene: CASK (calcium/calmodulin dependent serine protein kinase; minus strand). Cytogenetic location: Xp11.4.
Variant type: single nucleotide variant.
Coding change: c.2246G>A on transcript NM_001367721.1 (MANE Select); coding-DNA position 2246, G replaced by A.
Protein change: p.Gly749Asp; replaces glycine 749 with aspartic acid.
Molecular consequence: missense variant.
Genome position (GRCh38, 1-based): chrX:41,534,777, C>T on the plus strand (G>A on the coding strand, the complement: CASK is on the minus strand). VCF-style: chrX-41534777-C-T. GRCh37 (hg19) VCF-style: chrX-41394030-C-T.
Other names: c.2162G>A, p.Gly721Asp (NM_001126054.3); c.2159G>A, p.Gly720Asp (NM_001126055.3); c.2228G>A, p.Gly743Asp (NM_001410745.1); c.2231G>A, p.Gly744Asp (NM_003688.4); short protein forms G721D, G749D, G720D, G743D, G744D.
Identifiers: ClinVar variation 3680231 (VCV003680231.2).